The following is an entry in ClinVar:

ClinVar aggregate classification (germline): Likely pathogenic (1 of 4 stars; one submission).

Conditions:
Cerebral palsy. Identifiers: MedGen C0007789, MONDO:0006497, HP:0100021.

gnomAD v4.1: 1 of 1,614,136 alleles (0.000062%); highest among the groups gnomAD compares: Non-Finnish European, 0.000085%; no homozygotes.

Submission:

Neurogenetics Research Program, University of Adelaide
Classification: Likely pathogenic for Cerebral palsy. Last evaluated: 2021-06-10. Review status: criteria provided, single submitter. Criteria: ACMG Guidelines, 2015. Collection method: research. Allele origin: unknown. Affected: yes. Observed: 1 variant allele.
Comment: Variant predicted likely to escape NMD.

NM_017415.3(KLHL3):c.1692G>A (p.Trp564Ter)

Gene: KLHL3 (kelch like family member 3; minus strand). Cytogenetic location: 5q31.2.
Variant type: single nucleotide variant.
Coding change: c.1692G>A on transcript NM_017415.3 (MANE Select); coding-DNA position 1692, G replaced by A.
Protein change: p.Trp564Ter; replaces tryptophan 564 with a stop codon.
Molecular consequence: nonsense.
Genome position (GRCh38, 1-based): chr5:137,625,796, C>T on the plus strand (G>A on the coding strand, the complement: KLHL3 is on the minus strand). VCF-style: chr5-137625796-C-T. GRCh37 (hg19) VCF-style: chr5-136961485-C-T.
Other names: c.1596G>A, p.Trp532Ter (NM_001257194.1); c.1446G>A, p.Trp482Ter (NM_001257195.2); short protein forms W482*, W532*, W564*.
Identifiers: ClinVar variation 1172819 (VCV001172819.1), dbSNP rs2149876234, ClinGen allele CA361044456.